The following is an entry in ClinVar:

NM_147127.5(EVC2):c.234G>C (p.Leu78Phe)

Gene: EVC2 (EvC ciliary complex subunit 2; minus strand). Cytogenetic location: 4p16.2.
Variant type: single nucleotide variant.
Coding change: c.234G>C on transcript NM_147127.5 (MANE Select); coding-DNA position 234, G replaced by C.
Protein change: p.Leu78Phe; replaces leucine 78 with phenylalanine.
Molecular consequence: missense variant. On other transcripts: 5 prime UTR variant (1).
Genome position (GRCh38, 1-based): chr4:5,697,642, C>G on the plus strand (G>C on the coding strand, the complement: EVC2 is on the minus strand). VCF-style: chr4-5697642-C-G. GRCh37 (hg19) VCF-style: chr4-5699369-C-G.
Other names: c.-7G>C (NM_001166136.2); short protein forms L78F.
Identifiers: ClinVar variation 3762459 (VCV003762459.2).

ClinVar aggregate classification (germline): Uncertain significance (1 of 4 stars; one submission).

Conditions:
Curry-Hall syndrome (WAD). Also called: WEYERS ACRODENTAL DYSOSTOSIS. Identifiers: Orphanet 952, MedGen C0457013, MONDO:0008673, OMIM 193530.
Ellis-van Creveld syndrome (EVC). Also called: EVC-Related Ellis-van Creveld Syndrome; EVC2-Related Ellis-van Creveld Syndrome; MESOECTODERMAL DYSPLASIA; Chondroectodermal dysplasia. Identifiers: Orphanet 289, MedGen C0013903, MONDO:0009162, OMIM 225500.

gnomAD v4.1: 7 of 1,613,844 alleles (0.00043%); highest among the groups gnomAD compares: Non-Finnish European, 0.00059%; no homozygotes.

Submission:

Labcorp Genetics (formerly Invitae), Labcorp
Classification: Uncertain significance for Curry-Hall syndrome; Ellis-van Creveld syndrome. Last evaluated: 2024-07-01. Review status: criteria provided, single submitter. Criteria: Invitae Variant Classification Sherloc (09022015). Collection method: clinical testing. Allele origin: germline.
Comment: This sequence change replaces leucine, which is neutral and non-polar, with phenylalanine, which is neutral and non-polar, at codon 78 of the EVC2 protein (p.Leu78Phe). This variant is present in population databases (rs767889243, gnomAD 0.007%). This variant has not been reported in the literature in individuals affected with EVC2-related conditions. Algorithms developed to predict the effect of missense changes on protein structure and function output the following: SIFT: "Not Available"; PolyPhen-2: "Possibly Damaging"; Align-GVGD: "Not Available". The phenylalanine amino acid residue is found in multiple mammalian species, which suggests that this missense change does not adversely affect protein function. In summary, the available evidence is currently insufficient to determine the role of this variant in disease. Therefore, it has been classified as a Variant of Uncertain Significance.